The following is an entry in ClinVar:

NM_006231.4(POLE):c.1448C>T (p.Thr483Ile)

Gene: POLE (DNA polymerase epsilon, catalytic subunit; minus strand). Cytogenetic location: 12q24.33.
Variant type: single nucleotide variant.
Coding change: c.1448C>T on transcript NM_006231.4 (MANE Select); coding-DNA position 1448, C replaced by T.
Protein change: p.Thr483Ile; replaces threonine 483 with isoleucine.
Molecular consequence: missense variant.
Genome position (GRCh38, 1-based): chr12:132,673,189, G>A on the plus strand (C>T on the coding strand, the complement: POLE is on the minus strand). VCF-style: chr12-132673189-G-A. GRCh37 (hg19) VCF-style: chr12-133249775-G-A.
Other names: short protein forms T483I.
Identifiers: ClinVar variation 819244 (VCV000819244.12), dbSNP rs1593072208, ClinGen allele CA387358192.
Genomic context (GRCh38, chr12:132,673,189, plus strand): 5'-GAGGCCAGGGTGCCGACAGGACAGATAATGCTCACCTCGTCGGGCTCCATGGGAATAATG[G>A]TGCACAGAGCAAAGATGAATGGGTGGACGTACTTCATGTACAGGTAGTAAGTGGCGACAG-3'
Protein context (NP_006222.2, residues 473-493): YVHPFIFALC[Thr483Ile]IIPMEPDEVL

ClinVar aggregate classification (germline): Uncertain significance. Review status: criteria provided, multiple submitters, no conflicts (2 of 4 stars). 3 submissions from 3 submitters: Uncertain significance (3). Last evaluated 2026-01-15.

Conditions:
Hereditary cancer-predisposing syndrome. Also called: Neoplastic Syndromes, Hereditary; Tumor predisposition; Hereditary Cancer Syndrome; Hereditary neoplastic syndrome. Identifiers: Orphanet 140162, MedGen C0027672, MeSH D009386, MONDO:0015356.

Allele frequency attached by ClinVar (database versions not stated): gnomAD exomes below 0.00001.
gnomAD v4.1: 1 of 1,611,874 alleles (0.000062%); highest among the groups gnomAD compares: Non-Finnish European, 0.000085%; no homozygotes.

Submissions (3):

Ambry Genetics
Classification: Uncertain significance for Hereditary cancer-predisposing syndrome. Last evaluated: 2026-01-15. Review status: criteria provided, single submitter. Criteria: Ambry Variant Classification Scheme 2023. Collection method: clinical testing. Allele origin: germline.
Comment: The p.T483I variant (also known as c.1448C>T), located in coding exon 14 of the POLE gene, results from a C to T substitution at nucleotide position 1448. The threonine at codon 483 is replaced by isoleucine, an amino acid with similar properties. This amino acid position is highly conserved in available vertebrate species. In addition, the in silico prediction for this alteration is inconclusive. Based on the available evidence, the clinical significance of this variant remains unclear.

Labcorp Genetics (formerly Invitae), Labcorp
Classification: Uncertain significance. Last evaluated: 2024-07-26. Review status: criteria provided, single submitter. Criteria: Invitae Variant Classification Sherloc (09022015). Collection method: clinical testing. Allele origin: germline.
Comment: This sequence change replaces threonine, which is neutral and polar, with isoleucine, which is neutral and non-polar, at codon 483 of the POLE protein (p.Thr483Ile). This variant is not present in population databases (gnomAD no frequency). This variant has not been reported in the literature in individuals affected with POLE-related conditions. ClinVar contains an entry for this variant (Variation ID: 819244). Advanced modeling of protein sequence and biophysical properties (such as structural, functional, and spatial information, amino acid conservation, physicochemical variation, residue mobility, and thermodynamic stability) performed at Invitae indicates that this missense variant is expected to disrupt POLE protein function with a positive predictive value of 80%. In summary, the available evidence is currently insufficient to determine the role of this variant in disease. Therefore, it has been classified as a Variant of Uncertain Significance.

Blueprint Genetics
Classification: Uncertain significance. Last evaluated: 2022-08-10. Review status: criteria provided, single submitter. Criteria: ACMG Guidelines, 2015. Collection method: clinical testing. Allele origin: germline.